The following is an entry in ClinVar:

NM_001329943.3(KIAA0586):c.2465A>G (p.Asp822Gly)

Gene: KIAA0586 (KIAA0586; plus strand). Cytogenetic location: 14q23.1.
Variant type: single nucleotide variant.
Coding change: c.2465A>G on transcript NM_001329943.3 (MANE Select); coding-DNA position 2465, A replaced by G.
Protein change: p.Asp822Gly; replaces aspartic acid 822 with glycine.
Molecular consequence: missense variant.
Genome position (GRCh38, 1-based): chr14:58,470,635, A>G. VCF-style: chr14-58470635-A-G. GRCh37 (hg19) VCF-style: chr14-58937353-A-G.
Other names: c.2624A>G, p.Asp875Gly (NM_001244189.2); c.2420A>G, p.Asp807Gly (NM_001244190.2); c.2210A>G, p.Asp737Gly (NM_001244191.2, NM_001329945.2, NM_001364700.1 and 1 more transcripts); c.2333A>G, p.Asp778Gly (NM_001244192.2); c.2045A>G, p.Asp682Gly (NM_001244193.2); c.2465A>G, p.Asp822Gly (NM_001329944.2, NM_001329946.2, NM_001329947.2); c.2237A>G, p.Asp746Gly (NM_014749.5); short protein forms D682G, D778G, D875G, D737G, D746G, D807G, D822G.
Identifiers: ClinVar variation 1906124 (VCV001906124.5), dbSNP rs2543334985, ClinGen allele CA389876120.
Genomic context (GRCh38, chr14:58,470,635, plus strand): 5'-ATGATAAACAGAAAGCTGAATGTTGTATTCTGTTTTAGGTATTACCCAGTGTAGATATTG[A>G]CAGCATTTCAAATAGTAGTGCTGATGTCCTTTCACCTCTGTCTAGCCCCAAAGAAGCATC-3'
Protein context (NP_001316872.1, residues 812-832): TVQVLPSVDI[Asp822Gly]SISNSSADVL

ClinVar aggregate classification (germline): Uncertain significance (1 of 4 stars; one submission).

Conditions:
Joubert syndrome 23 (JBTS23). Identifiers: Orphanet 475, MedGen C4084822, MONDO:0014664, OMIM 616490.
Short-rib thoracic dysplasia 14 with polydactyly (SRTD14). Identifiers: Orphanet 397715, MedGen C4225286, MONDO:0014688, OMIM 616546.

Submission:

Labcorp Genetics (formerly Invitae), Labcorp
Classification: Uncertain significance for Joubert syndrome 23; Short-rib thoracic dysplasia 14 with polydactyly. Last evaluated: 2022-09-27. Review status: criteria provided, single submitter. Criteria: Invitae Variant Classification Sherloc (09022015). Collection method: clinical testing. Allele origin: germline.
Comment: Advanced modeling of protein sequence and biophysical properties (such as structural, functional, and spatial information, amino acid conservation, physicochemical variation, residue mobility, and thermodynamic stability) performed at Invitae indicates that this missense variant is expected to disrupt KIAA0586 protein function. In summary, the available evidence is currently insufficient to determine the role of this variant in disease. Therefore, it has been classified as a Variant of Uncertain Significance. This sequence change replaces aspartic acid, which is acidic and polar, with glycine, which is neutral and non-polar, at codon 875 of the KIAA0586 protein (p.Asp875Gly). This variant is not present in population databases (gnomAD no frequency). This variant has not been reported in the literature in individuals affected with KIAA0586-related conditions.